The following is an entry in ClinVar:

ClinVar aggregate classification (germline): Pathogenic (1 of 4 stars; one submission).

Conditions:
Fructose-biphosphatase deficiency (FBP1D). Also called: Fructose-1,6-Diphosphatase Deficiency; Fructose 1,6 Bisphosphatase Deficiency; Fructose-1,6-Bisphosphatase 1 Deficiency. Identifiers: Orphanet 348, MedGen C0016756, MONDO:0009251, OMIM 229700.

Submission:

Labcorp Genetics (formerly Invitae), Labcorp
Classification: Pathogenic for Fructose-biphosphatase deficiency. Last evaluated: 2022-11-23. Review status: criteria provided, single submitter. Criteria: Invitae Variant Classification Sherloc (09022015). Collection method: clinical testing. Allele origin: germline.
Comment: This sequence change creates a premature translational stop signal (p.Leu95Argfs*4) in the FBP1 gene. It is expected to result in an absent or disrupted protein product. Loss-of-function variants in FBP1 are known to be pathogenic (PMID: 9382095, 19259699, 27101822). This variant is not present in population databases (gnomAD no frequency). This variant has not been reported in the literature in individuals affected with FBP1-related conditions. For these reasons, this variant has been classified as Pathogenic.

Literature cited by the submitters: PubMed 9382095; PubMed 19259699; PubMed 27101822.

NM_000507.4(FBP1):c.282_289del (p.Leu95fs)

Gene: FBP1 (fructose-bisphosphatase 1; minus strand). Cytogenetic location: 9q22.32.
Variant type: Deletion.
Coding change: c.282_289del on transcript NM_000507.4 (MANE Select); coding-DNA positions 282 to 289, 8 bases deleted (TCTCGTGT; older notation c.282_289delTCTCGTGT).
Protein change: p.Leu95fs; shifts the reading frame from leucine 95.
Molecular consequence: frameshift variant.
Genome position (GRCh38, 1-based): chr9:94,620,373-94,620,380, ACACGAGA deleted on the plus strand (TCTCGTGT on the coding strand, the reverse complement: FBP1 is on the minus strand); deleting any 8 consecutive bases within chr9:94,620,373-94,620,384 gives the same sequence; the c. name uses the placement nearest the transcript's 3' end. VCF-style (leftmost placement, unchanged base first): chr9-94620372-GACACGAGA-G. GRCh37 (hg19) VCF-style: chr9-97382654-GACACGAGA-G.
Other names: c.282_289del, p.Leu95fs (NM_001127628.2); short protein forms L95fs.
Identifiers: ClinVar variation 2872419 (VCV002872419.3), dbSNP rs2538947336, ClinGen allele CA2739269359.